The following is an entry in ClinVar:

ClinVar aggregate classification (germline): Benign. Review status: criteria provided, multiple submitters, no conflicts (2 of 4 stars). 6 submissions from 6 submitters: Benign (5). 1 of the submissions does not count toward it. Last evaluated 2026-02-03.

Conditions:
Kleefstra syndrome 1 (KLEFS1). Identifiers: Orphanet 261494, MedGen C0795833, MONDO:0027407, OMIM 610253.

Allele frequency attached by ClinVar (database versions not stated): 1000 Genomes Project 30x 0.18098; gnomAD exomes 0.03931; ExAC 0.04767; 1000 Genomes Project 0.16753; gnomAD 0.14146; TOPMed 0.15929; ESP Exome Variant Server 0.16846.
gnomAD v4.1: 45,880 of 1,613,274 alleles (2.8%); highest among the groups gnomAD compares: African/African-American, 51%; 10,098 homozygotes.

Submissions (6):

Labcorp Genetics (formerly Invitae), Labcorp
Classification: Benign for Kleefstra syndrome 1. Last evaluated: 2026-02-03. Review status: criteria provided, single submitter. Criteria: Invitae Variant Classification Sherloc (09022015). Collection method: clinical testing. Allele origin: germline.

Mayo Clinic Laboratories, Mayo Clinic
Classification: Benign. Last evaluated: 2021-11-29. Review status: criteria provided, single submitter. Criteria: ACMG Guidelines, 2015. Collection method: clinical testing. Allele origin: germline. Observed: 26 variant alleles.

GeneDx
Classification: Benign. Last evaluated: 2018-07-03. Review status: criteria provided, single submitter. Criteria: GeneDx Variant Classification Process June 2021. Collection method: clinical testing. Allele origin: germline. Affected: yes.

Eurofins Ntd Llc (ga)
Classification: Benign. Last evaluated: 2012-07-02. Review status: criteria provided, single submitter. Criteria: EGL Classification Definitions 2015. Collection method: clinical testing. Allele origin: germline. Observed: 5 variant alleles, 3 heterozygotes, 2 homozygotes.

Breakthrough Genomics
Classification: Benign. Review status: criteria provided, single submitter. Criteria: ACMG Guidelines, 2015. Collection method: not provided. Allele origin: germline. Inheritance: Autosomal dominant inheritance. Affected: yes.

Genetic Services Laboratory, University of Chicago
Classification: Likely benign for AllHighlyPenetrant. Review status: no assertion criteria provided. Collection method: clinical testing. Allele origin: germline. Inheritance: Autosomal dominant inheritance. Not counted in ClinVar's aggregate classification.
Comment: Likely benign based on allele frequency in 1000 Genomes Project or ESP global frequency and its presence in a patient with a rare or unrelated disease phenotype. NOT Sanger confirmed.

NM_024757.5(EHMT1):c.3375-9A>C

Gene: EHMT1 (euchromatic histone lysine methyltransferase 1; plus strand). Cytogenetic location: 9q34.3.
Variant type: single nucleotide variant.
Coding change: c.3375-9A>C on transcript NM_024757.5 (MANE Select); 9 bases into the intron before coding-DNA position 3375, A replaced by C.
Molecular consequence: intron variant.
Genome position (GRCh38, 1-based): chr9:137,817,430, A>C. VCF-style: chr9-137817430-A-C. GRCh37 (hg19) VCF-style: chr9-140711882-A-C.
Other names: p.?; c.3354-9A>C (NM_001354263.2).
Identifiers: ClinVar variation 96155 (VCV000096155.24), dbSNP rs73578877, ClinGen allele CA149301.